The following is an entry in ClinVar:

ClinVar aggregate classification (germline): Uncertain significance. Review status: criteria provided, multiple submitters, no conflicts (2 of 4 stars). 2 submissions from 2 submitters: Uncertain significance (2). Last evaluated 2024-01-30.

Conditions:
Developmental and epileptic encephalopathy, 9 (DEE9). Also called: JUBERG-HELLMAN SYNDROME; Early infantile epileptic encephalopathy 9; PCDH19-Related X-Linked Female-Limited Epilepsy with Mental Retardation; EPILEPSY, FEMALE-RESTRICTED, WITH MENTAL RETARDATION. Identifiers: Orphanet 101039, Orphanet 2076, MedGen C1848137, MONDO:0010246, OMIM 300088. Disease mechanism: loss of function.

Allele frequency attached by ClinVar (database versions not stated): gnomAD exomes below 0.00001 and 0.00001; gnomAD 0.00001; TOPMed 0.00001.
gnomAD v4.1: 4 of 1,209,331 alleles (0.00033%); highest among the groups gnomAD compares: Admixed American, 0.0044%; no homozygotes.

Submissions (2):

Labcorp Genetics (formerly Invitae), Labcorp
Classification: Uncertain significance for Developmental and epileptic encephalopathy, 9. Last evaluated: 2024-01-30. Review status: criteria provided, single submitter. Criteria: Invitae Variant Classification Sherloc (09022015). Collection method: clinical testing. Allele origin: germline.
Comment: This sequence change replaces asparagine, which is neutral and polar, with aspartic acid, which is acidic and polar, at codon 837 of the PCDH19 protein (p.Asn837Asp). This variant is present in population databases (no rsID available, gnomAD 0.004%). This variant has not been reported in the literature in individuals affected with PCDH19-related conditions. ClinVar contains an entry for this variant (Variation ID: 1439925). Advanced modeling of protein sequence and biophysical properties (such as structural, functional, and spatial information, amino acid conservation, physicochemical variation, residue mobility, and thermodynamic stability) performed at Invitae indicates that this missense variant is not expected to disrupt PCDH19 protein function with a negative predictive value of 95%. In summary, the available evidence is currently insufficient to determine the role of this variant in disease. Therefore, it has been classified as a Variant of Uncertain Significance.

Women's Health and Genetics/Laboratory Corporation of America, LabCorp
Classification: Uncertain significance. Last evaluated: 2023-12-20. Review status: criteria provided, single submitter. Criteria: LabCorp Variant Classification Summary - May 2015. Collection method: clinical testing. Allele origin: germline.
Comment: Variant summary: PCDH19 c.2509A>G (p.Asn837Asp) results in a conservative amino acid change in the encoded protein sequence. Three of five in-silico tools predict a benign effect of the variant on protein function. The variant allele was found at a frequency of 5.5e-06 in 181652 control chromosomes (gnomAD). The available data on variant occurrences in the general population are insufficient to allow any conclusion about variant significance. To our knowledge, no occurrence of c.2509A>G in individuals affected with Developmental And Epileptic Encephalopathy, 9 and no experimental evidence demonstrating its impact on protein function have been reported. One submitter has cited clinical-significance assessments for this variant to ClinVar after 2014 and has classified the variant as uncertain significance. Based on the evidence outlined above, the variant was classified as uncertain significance.

NM_001184880.2(PCDH19):c.2509A>G (p.Asn837Asp)

Genes: PCDH19 (protocadherin 19; minus strand), LOC125467768 (CDK7 strongly-dependent group 2 enhancer GRCh37_chrX:99657381-99658580; plus strand). Cytogenetic location: Xq22.1.
Variant type: single nucleotide variant.
Coding change: c.2509A>G on transcript NM_001184880.2 (MANE Select); coding-DNA position 2509, A replaced by G.
Protein change: p.Asn837Asp; replaces asparagine 837 with aspartic acid.
Molecular consequence: missense variant.
Genome position (GRCh38, 1-based): chrX:100,402,631, T>C on the plus strand (A>G on the coding strand, the complement: PCDH19 is on the minus strand). VCF-style: chrX-100402631-T-C. GRCh37 (hg19) VCF-style: chrX-99657629-T-C.
Other names: c.2368A>G, p.Asn790Asp (NM_001105243.2, NM_020766.3); short protein forms N790D, N837D.
Identifiers: ClinVar variation 1439925 (VCV001439925.9), dbSNP rs1284670769, ClinGen allele CA414005640.